The following is an entry in ClinVar:

ClinVar aggregate classification (germline): Uncertain significance. Review status: criteria provided, multiple submitters, no conflicts (2 of 4 stars). 2 submissions from 2 submitters: Uncertain significance (2). Last evaluated 2025-11-27.

Conditions:
Glycine encephalopathy. Also called: Non-ketotic hyperglycinemia; Nonketotic hyperglycinemia. Identifiers: Orphanet 407, MedGen C0751748, MONDO:0011612, HP:0008288.

Allele frequency attached by ClinVar (database versions not stated): TOPMed below 0.00001; gnomAD 0.00001; ExAC 0.00002; gnomAD exomes 0.00002 and 0.00003.
gnomAD v4.1: 38 of 1,570,022 alleles (0.0024%); highest among the groups gnomAD compares: Non-Finnish European, 0.0032%; no homozygotes.

Submissions (2):

Women's Health and Genetics/Laboratory Corporation of America, LabCorp
Classification: Uncertain significance. Last evaluated: 2025-11-27. Review status: criteria provided, single submitter. Criteria: LabCorp Variant Classification Summary - May 2015. Collection method: clinical testing. Allele origin: germline.

Labcorp Genetics (formerly Invitae), Labcorp
Classification: Uncertain significance for Glycine encephalopathy. Last evaluated: 2025-08-21. Review status: criteria provided, single submitter. Criteria: Invitae Variant Classification Sherloc (09022015). Collection method: clinical testing. Allele origin: germline.
Comment: This sequence change falls in intron 12 of the GLDC gene. It does not directly change the encoded amino acid sequence of the GLDC protein. It affects a nucleotide within the consensus splice site. This variant is present in population databases (rs752642527, gnomAD 0.004%). This variant has not been reported in the literature in individuals affected with GLDC-related conditions. ClinVar contains an entry for this variant (Variation ID: 1496239). Variants that disrupt the consensus splice site are a relatively common cause of aberrant splicing (PMID: 17576681, 9536098). Algorithms developed to predict the effect of sequence changes on RNA splicing suggest that this variant is not likely to affect RNA splicing. In summary, the available evidence is currently insufficient to determine the role of this variant in disease. Therefore, it has been classified as a Variant of Uncertain Significance.

Literature cited by the submitters: PubMed 17576681 (cited by Labcorp Genetics (formerly Invitae), Labcorp); PubMed 9536098 (cited by Labcorp Genetics (formerly Invitae), Labcorp).

NM_000170.3(GLDC):c.1580+4T>G

Gene: GLDC (glycine decarboxylase; minus strand). Cytogenetic location: 9p24.1.
Variant type: single nucleotide variant.
Coding change: c.1580+4T>G on transcript NM_000170.3 (MANE Select); 4 bases into the intron after coding-DNA position 1580, T replaced by G.
Molecular consequence: intron variant.
Genome position (GRCh38, 1-based): chr9:6,589,191, A>C on the plus strand (T>G on the coding strand, the complement: GLDC is on the minus strand). VCF-style: chr9-6589191-A-C. GRCh37 (hg19) VCF-style: chr9-6589191-A-C.
Identifiers: ClinVar variation 1496239 (VCV001496239.9), dbSNP rs752642527, ClinGen allele CA4980646.
Genomic context (GRCh38, chr9:6,589,191, plus strand): 5'-TCTGCCTAACTCCCTAGCTGATTACCAAAGCACAAAACGCAGAAGTCACACAAGACACAC[A>C]AACCTGTTGAACACTTGATGGGTGAGGAACGGGCTGGTCCTCTTGAACACAGACCCTGGA-3'